The following is an entry in ClinVar:

NM_001378454.1(ALMS1):c.115G>T (p.Asp39Tyr)

Gene: ALMS1 (ALMS1 centrosome and basal body associated protein; plus strand). Cytogenetic location: 2p13.1.
Variant type: single nucleotide variant.
Coding change: c.115G>T on transcript NM_001378454.1 (MANE Select); coding-DNA position 115, G replaced by T.
Protein change: p.Asp39Tyr; replaces aspartic acid 39 with tyrosine.
Molecular consequence: missense variant.
Genome position (GRCh38, 1-based): chr2:73,385,983, G>T. VCF-style: chr2-73385983-G-T. GRCh37 (hg19) VCF-style: chr2-73613111-G-T.
Other names: c.118G>T, p.Asp40Tyr (NM_015120.4); short protein forms D40Y, D39Y.
Identifiers: ClinVar variation 1424150 (VCV001424150.6), dbSNP rs2104058286, ClinGen allele CA347250638.

ClinVar aggregate classification (germline): Uncertain significance (1 of 4 stars; one submission).

Conditions:
Alstrom syndrome (ALMS). Identifiers: Orphanet 64, MedGen C0268425, MONDO:0008763, OMIM 203800.

Submission:

Labcorp Genetics (formerly Invitae), Labcorp
Classification: Uncertain significance for Alstrom syndrome. Last evaluated: 2021-09-21. Review status: criteria provided, single submitter. Criteria: Invitae Variant Classification Sherloc (09022015). Collection method: clinical testing. Allele origin: germline.
Comment: This sequence change replaces aspartic acid with tyrosine at codon 40 of the ALMS1 protein (p.Asp40Tyr). The aspartic acid residue is weakly conserved and there is a large physicochemical difference between aspartic acid and tyrosine. The frequency data for this variant in the population databases is considered unreliable, as metrics indicate insufficient coverage at this position in the ExAC database. This variant has not been reported in the literature in individuals affected with ALMS1-related conditions. Experimental studies and prediction algorithms are not available or were not evaluated, and the functional significance of this variant is currently unknown. In summary, the available evidence is currently insufficient to determine the role of this variant in disease. Therefore, it has been classified as a Variant of Uncertain Significance.